The following is an entry in ClinVar:

NM_000051.4(ATM):c.2081T>A (p.Leu694His)

Gene: ATM (ATM serine/threonine kinase; plus strand). Cytogenetic location: 11q22.3.
Variant type: single nucleotide variant.
Coding change: c.2081T>A on transcript NM_000051.4 (MANE Select); coding-DNA position 2081, T replaced by A.
Protein change: p.Leu694His; replaces leucine 694 with histidine.
Molecular consequence: missense variant.
Genome position (GRCh38, 1-based): chr11:108,253,996, T>A. VCF-style: chr11-108253996-T-A. GRCh37 (hg19) VCF-style: chr11-108124723-T-A.
Other names: c.2081T>A, p.Leu694His (NM_001351834.2); short protein forms L694H.
Identifiers: ClinVar variation 3450554 (VCV003450554.1).

ClinVar aggregate classification (germline): Uncertain significance (1 of 4 stars; one submission).

Conditions:
Hereditary cancer-predisposing syndrome. Also called: Tumor predisposition; Neoplastic Syndromes, Hereditary; Hereditary neoplastic syndrome; Hereditary Cancer Syndrome. Identifiers: Orphanet 140162, MedGen C0027672, MeSH D009386, MONDO:0015356.

Submission:

Ambry Genetics
Classification: Uncertain significance for Hereditary cancer-predisposing syndrome. Last evaluated: 2024-08-26. Review status: criteria provided, single submitter. Criteria: Ambry Variant Classification Scheme 2023. Collection method: clinical testing. Allele origin: germline.
Comment: The p.L694H variant (also known as c.2081T>A), located in coding exon 12 of the ATM gene, results from a T to A substitution at nucleotide position 2081. The leucine at codon 694 is replaced by histidine, an amino acid with similar properties. This amino acid position is highly conserved in available vertebrate species. In addition, this alteration is predicted to be deleterious by in silico analysis. Based on the available evidence, the clinical significance of this variant remains unclear.